The following is an entry in ClinVar:

ClinVar aggregate classification (germline): Uncertain significance. Review status: criteria provided, multiple submitters, no conflicts (2 of 4 stars). 3 submissions from 3 submitters: Uncertain significance (3). Last evaluated 2024-01-22.

Conditions:
Cone-rod dystrophy 20 (CORD20). Identifiers: Orphanet 1872, MedGen C4014856, MONDO:0014427, OMIM 615973.
Inborn genetic diseases. Identifiers: MedGen C0950123, MeSH D030342.

Allele frequency attached by ClinVar (database versions not stated): ExAC 0.00001; gnomAD exomes 0.00001; gnomAD 0.00002; TOPMed 0.00005; ESP Exome Variant Server 0.00008.
gnomAD v4.1: 8 of 1,612,128 alleles (0.0005%); highest among the groups gnomAD compares: African/African-American, 0.0094%; no homozygotes.

Submissions (3):

Fulgent Genetics
Classification: Uncertain significance for Cone-rod dystrophy 20. Last evaluated: 2024-01-22. Review status: criteria provided, single submitter. Criteria: ACMG Guidelines, 2015. Collection method: clinical testing. Allele origin: germline.

Labcorp Genetics (formerly Invitae), Labcorp
Classification: Uncertain significance. Last evaluated: 2023-01-20. Review status: criteria provided, single submitter. Criteria: Invitae Variant Classification Sherloc (09022015). Collection method: clinical testing. Allele origin: germline.
Comment: Advanced modeling of protein sequence and biophysical properties (such as structural, functional, and spatial information, amino acid conservation, physicochemical variation, residue mobility, and thermodynamic stability) performed at Invitae indicates that this missense variant is not expected to disrupt POC1B protein function. ClinVar contains an entry for this variant (Variation ID: 1014390). This variant has not been reported in the literature in individuals affected with POC1B-related conditions. This variant is present in population databases (rs139226294, gnomAD 0.01%). This sequence change replaces histidine, which is basic and polar, with asparagine, which is neutral and polar, at codon 336 of the POC1B protein (p.His336Asn). In summary, the available evidence is currently insufficient to determine the role of this variant in disease. Therefore, it has been classified as a Variant of Uncertain Significance.

Ambry Genetics
Classification: Uncertain significance for Inborn genetic diseases. Last evaluated: 2022-02-02. Review status: criteria provided, single submitter. Criteria: Ambry Variant Classification Scheme 2023. Collection method: clinical testing. Allele origin: germline.

NM_172240.3(POC1B):c.1006C>A (p.His336Asn)

Genes: POC1B (POC1 centriolar protein B; minus strand), POC1B-DUSP6 (POC1B-DUSP6 readthrough; minus strand). Cytogenetic location: 12q21.33.
Variant type: single nucleotide variant.
Coding change: c.1006C>A on transcript NM_172240.3 (MANE Select); coding-DNA position 1006, C replaced by A.
Protein change: p.His336Asn; replaces histidine 336 with asparagine.
Molecular consequence: missense variant. On other transcripts: non-coding transcript variant (2).
Genome position (GRCh38, 1-based): chr12:89,466,796, G>T on the plus strand (C>A on the coding strand, the complement: POC1B is on the minus strand). VCF-style: chr12-89466796-G-T. GRCh37 (hg19) VCF-style: chr12-89860573-G-T.
Other names: c.880C>A, p.His294Asn (NM_001199777.2); c.1006C>A (NM_172240.2); short protein forms H294N, H336N.
Identifiers: ClinVar variation 1014390 (VCV001014390.10), dbSNP rs139226294, ClinGen allele CA6714331.